The following is an entry in ClinVar:

ClinVar aggregate classification (germline): Uncertain significance (1 of 4 stars; one submission).

Conditions:
Familial cancer of breast. Also called: hereditary breast carcinoma; Hereditary breast cancer; BREAST CANCER, FAMILIAL. Identifiers: Orphanet 227535, MedGen C0346153, MONDO:0016419, OMIM 114480. Disease mechanism: loss of function.

Submission:

Labcorp Genetics (formerly Invitae), Labcorp
Classification: Uncertain significance for Familial cancer of breast. Last evaluated: 2021-05-10. Review status: criteria provided, single submitter. Criteria: Invitae Variant Classification Sherloc (09022015). Collection method: clinical testing. Allele origin: germline.
Comment: This sequence change replaces serine with glycine at codon 342 of the BARD1 protein (p.Ser342Gly). The serine residue is moderately conserved and there is a small physicochemical difference between serine and glycine. This variant is not present in population databases (ExAC no frequency). This variant has not been reported in the literature in individuals with BARD1-related conditions. Algorithms developed to predict the effect of missense changes on protein structure and function output the following: SIFT: "Tolerated"; PolyPhen-2: "Benign"; Align-GVGD: "Class C0". The glycine amino acid residue is found in multiple mammalian species, suggesting that this missense change does not adversely affect protein function. These predictions have not been confirmed by published functional studies and their clinical significance is uncertain. In summary, the available evidence is currently insufficient to determine the role of this variant in disease. Therefore, it has been classified as a Variant of Uncertain Significance.

NM_000465.4(BARD1):c.1024A>G (p.Ser342Gly)

Gene: BARD1 (BRCA1 associated RING domain 1; minus strand). Cytogenetic location: 2q35.
Variant type: single nucleotide variant.
Coding change: c.1024A>G on transcript NM_000465.4 (MANE Select); coding-DNA position 1024, A replaced by G.
Protein change: p.Ser342Gly; replaces serine 342 with glycine.
Molecular consequence: missense variant. On other transcripts: non-coding transcript variant (2), intron variant (3).
Genome position (GRCh38, 1-based): chr2:214,780,850, T>C on the plus strand (A>G on the coding strand, the complement: BARD1 is on the minus strand). VCF-style: chr2-214780850-T-C. GRCh37 (hg19) VCF-style: chr2-215645574-T-C.
Other names: c.967A>G, p.Ser323Gly (NM_001282543.2); c.159-28295A>G (NM_001282548.2); c.215+16211A>G (NM_001282545.2); c.364+11447A>G (NM_001282549.2); short protein forms S323G, S342G.
Identifiers: ClinVar variation 1352950 (VCV001352950.9), dbSNP rs1574817878, ClinGen allele CA350454305.